The following is an entry in ClinVar:

ClinVar aggregate classification (germline): Conflicting classifications of pathogenicity. Review status: criteria provided, conflicting classifications (1 of 4 stars). 2 submissions from 2 submitters: Likely pathogenic (1); Uncertain significance (1). Last evaluated 2025-11-19.

Submissions (2):

GeneDx
Classification: Uncertain significance. Last evaluated: 2025-11-19. Review status: criteria provided, single submitter. Criteria: GeneDx Variant Classification Process June 2021. Collection method: clinical testing. Allele origin: germline.
Comment: In-frame deletion of 1 amino acid in a non-repeat region; In silico analysis suggests that this variant does not alter protein structure/function; Also known as Leu170delTTG; This variant is associated with the following publications: (PMID: 37647632, 38397060, 18976247, 37761907, 38202056)

Mayo Clinic Laboratories, Mayo Clinic
Classification: Likely pathogenic. Last evaluated: 2025-02-11. Review status: criteria provided, single submitter. Criteria: ACMG Guidelines, 2015. Collection method: clinical testing. Allele origin: germline. Observed: 3 variant alleles.
Comment: PM1, PM2_moderate, PM4

Literature cited by the submitters: PubMed 18976247 (cited by Mayo Clinic Laboratories, Mayo Clinic); PubMed 37761907 (cited by Mayo Clinic Laboratories, Mayo Clinic); PubMed 38202056 (cited by Mayo Clinic Laboratories, Mayo Clinic); PubMed 38397060 (cited by Mayo Clinic Laboratories, Mayo Clinic).

NM_019616.4(F7):c.622TTG[1] (p.Leu209del)

Gene: F7 (coagulation factor VII; plus strand). Cytogenetic location: 13q34.
Variant type: Microsatellite.
Coding change: c.622TTG[1] on transcript NM_019616.4 (MANE Select); one copy of the 3-base unit TTG starting at c.622; the reference has two copies in a row; one copy, 3 bases deleted.
Protein change: p.Leu209del; deletes leucine 209.
Molecular consequence: inframe deletion. On other transcripts: inframe indel (1), non-coding transcript variant (1).
Genome position (GRCh38, 1-based): chr13:113,117,482-113,117,484, TTG deleted; deleting any 3 consecutive bases within chr13:113,117,477-113,117,484 gives the same sequence; the position shown is the placement nearest the transcript's 3' end. VCF-style (leftmost placement, unchanged base first): chr13-113117476-CTGT-C. GRCh37 (hg19) VCF-style: chr13-113771790-CTGT-C.
Other names: p.Leu231del; c.688_690TTG[1], p.Leu231del (NM_000131.5); c.436TTG[1], p.Leu147del (NM_001267554.2); c.691_693del (NM_000131.4); short protein forms L147del, L209del, L231del.
Identifiers: ClinVar variation 3381104 (VCV003381104.4).
Genomic context (GRCh38, chr13:113,117,476, plus strand): 5'-TCATCAGAGAAACAATGACAGCAATGTGACTTCCACACCTCCTGTCCCCCCGCCCAGGTC[CTGT>C]TGTTGGTGAATGGAGCTCAGTTGTGTGGGGGGACCCTGATCAACACCATCTGGGTGGTCT-3'